The following is an entry in ClinVar:

ClinVar aggregate classification (germline): Uncertain significance (1 of 4 stars; one submission).

Conditions:
Perlman syndrome (PRLMNS). Identifiers: Orphanet 2849, MedGen C0796113, MONDO:0009965, OMIM 267000.

Allele frequency attached by ClinVar (database versions not stated): gnomAD exomes below 0.00001.
gnomAD v4.1: 1 of 1,614,184 alleles (0.000062%); highest among the groups gnomAD compares: Non-Finnish European, 0.000085%; no homozygotes.

Submission:

Labcorp Genetics (formerly Invitae), Labcorp
Classification: Uncertain significance for Perlman syndrome. Last evaluated: 2022-05-26. Review status: criteria provided, single submitter. Criteria: Invitae Variant Classification Sherloc (09022015). Collection method: clinical testing. Allele origin: germline.
Comment: In summary, the available evidence is currently insufficient to determine the role of this variant in disease. Therefore, it has been classified as a Variant of Uncertain Significance. This sequence change replaces glutamic acid, which is acidic and polar, with lysine, which is basic and polar, at codon 506 of the DIS3L2 protein (p.Glu506Lys). This variant is not present in population databases (gnomAD no frequency). This variant has not been reported in the literature in individuals affected with DIS3L2-related conditions. Algorithms developed to predict the effect of missense changes on protein structure and function output the following: SIFT: "Tolerated"; PolyPhen-2: "Benign"; Align-GVGD: "Class C0". The lysine amino acid residue is found in multiple mammalian species, which suggests that this missense change does not adversely affect protein function.

NM_152383.5(DIS3L2):c.1516G>A (p.Glu506Lys)

Gene: DIS3L2 (DIS3 like 3'-5' exoribonuclease 2; plus strand). Cytogenetic location: 2q37.1.
Variant type: single nucleotide variant.
Coding change: c.1516G>A on transcript NM_152383.5 (MANE Select); coding-DNA position 1516, G replaced by A.
Protein change: p.Glu506Lys; replaces glutamic acid 506 with lysine.
Molecular consequence: missense variant. On other transcripts: non-coding transcript variant (2).
Genome position (GRCh38, 1-based): chr2:232,263,297, G>A. VCF-style: chr2-232263297-G-A. GRCh37 (hg19) VCF-style: chr2-233128007-G-A.
Other names: c.1516G>A, p.Glu506Lys (NM_001257281.2); short protein forms E506K.
Identifiers: ClinVar variation 1999150 (VCV001999150.4), dbSNP rs2470079210, ClinGen allele CA350975437.
Genomic context (GRCh38, chr2:232,263,297, plus strand): 5'-ATCCGCTCCTGCACCAAACTTAGCTACGAGCATGCACAGAGCATGATTGAAAGCCCAACT[G>A]AGAAAATCCCTGCGAAAGAGCTGCCCCCCATTTCCCCAGAGCATAGCAGCGAGGAGGTAC-3'
Protein context (NP_689596.4, residues 496-516): HAQSMIESPT[Glu506Lys]KIPAKELPPI